The following is an entry in ClinVar:

NM_000088.4(COL1A1):c.774_785del (p.Ala259_Pro262del)

Genes: COL1A1 (collagen type I alpha 1 chain; minus strand), LOC126862586 (CDK7 strongly-dependent group 2 enhancer GRCh37_chr17:48273702-48274901; plus strand). Cytogenetic location: 17q21.33.
Variant type: Deletion.
Coding change: c.774_785del on transcript NM_000088.4 (MANE Select); coding-DNA positions 774 to 785, 12 bases deleted (AGCTGGCCTCCC).
Protein change: p.Ala259_Pro262del.
Molecular consequence: inframe deletion.
Genome position (GRCh38, 1-based): chr17:50,197,029-50,197,040, GGGAGGCCAGCT deleted on the plus strand (AGCTGGCCTCCC on the coding strand, the reverse complement: COL1A1 is on the minus strand); deleting any 12 consecutive bases within chr17:50,197,029-50,197,041 gives the same sequence; the c. name uses the placement nearest the transcript's 3' end. VCF-style (leftmost placement, unchanged base first): chr17-50197028-AGGGAGGCCAGCT-A. GRCh37 (hg19) VCF-style: chr17-48274389-AGGGAGGCCAGCT-A.
Identifiers: ClinVar variation 2091009 (VCV002091009.4), dbSNP rs2509240749, ClinGen allele CA2580094339.

ClinVar aggregate classification (germline): Pathogenic (1 of 4 stars; one submission).

Conditions:
Osteogenesis imperfecta type I (OI1). Also called: Lobstein disease; Lobstein's Disease; Osteogenesis imperfecta type 1; Classic Non-deforming Osteogenesis Imperfecta with Blue Sclerae; OI, TYPE I; OSTEOGENESIS IMPERFECTA TARDA. Identifiers: Orphanet 216796, Orphanet 666, MedGen C0023931, MONDO:0008146, OMIM 166200. Disease mechanism: loss of function.

Submission:

Labcorp Genetics (formerly Invitae), Labcorp
Classification: Pathogenic for Osteogenesis imperfecta type I. Last evaluated: 2022-08-23. Review status: criteria provided, single submitter. Criteria: Invitae Variant Classification Sherloc (09022015). Collection method: clinical testing. Allele origin: germline.
Comment: This variant, c.774_785del, results in the deletion of 4 amino acid(s) of the COL1A1 protein (p.Ala259_Pro262del), but otherwise preserves the integrity of the reading frame. This variant is not present in population databases (gnomAD no frequency). This variant has not been reported in the literature in individuals affected with COL1A1-related conditions. This variant disrupts a region of the COL1A1 protein in which other variant(s) (p.Gly260Asp) have been determined to be pathogenic (PMID: 27509835; Invitae). This suggests that this is a clinically significant region of the protein, and that variants that disrupt it are likely to be disease-causing. For these reasons, this variant has been classified as Pathogenic.

Literature cited by the submitters: PubMed 27509835.